The following is an entry in ClinVar:

ClinVar aggregate classification (germline): Uncertain significance (1 of 4 stars; one submission).

Allele frequency attached by ClinVar (database versions not stated): gnomAD exomes below 0.00001.
gnomAD v4.1: 2 of 1,614,168 alleles (0.00012%); highest among the groups gnomAD compares: East Asian, 0.0022%; no homozygotes.

Submission:

Labcorp Genetics (formerly Invitae), Labcorp
Classification: Uncertain significance. Last evaluated: 2025-08-21. Review status: criteria provided, single submitter. Criteria: Invitae Variant Classification Sherloc (09022015). Collection method: clinical testing. Allele origin: germline.
Comment: This sequence change replaces leucine, which is neutral and non-polar, with glutamine, which is neutral and polar, at codon 221 of the RGR protein (p.Leu221Gln). This variant is present in population databases (no rsID available, gnomAD 0.003%). This variant has not been reported in the literature in individuals affected with RGR-related conditions. ClinVar contains an entry for this variant (Variation ID: 1405058). Experimental studies and prediction algorithms are not available or were not evaluated, and the functional significance of this variant is currently unknown. In summary, the available evidence is currently insufficient to determine the role of this variant in disease. Therefore, it has been classified as a Variant of Uncertain Significance.

NM_001012720.2(RGR):c.662T>A (p.Leu221Gln)

Gene: RGR (retinal G protein coupled receptor; plus strand). Cytogenetic location: 10q23.1.
Variant type: single nucleotide variant.
Coding change: c.662T>A on transcript NM_001012720.2 (MANE Select); coding-DNA position 662, T replaced by A.
Protein change: p.Leu221Gln; replaces leucine 221 with glutamine.
Molecular consequence: missense variant. On other transcripts: intron variant (1).
Genome position (GRCh38, 1-based): chr10:84,257,924, T>A. VCF-style: chr10-84257924-T-A. GRCh37 (hg19) VCF-style: chr10-86017680-T-A.
Other names: c.674T>A, p.Leu225Gln (NM_002921.4); c.631-584T>A (NM_001012722.2); short protein forms L221Q, L225Q.
Identifiers: ClinVar variation 1405058 (VCV001405058.6), dbSNP rs1395339496, ClinGen allele CA377392104.
Genomic context (GRCh38, chr10:84,257,924, plus strand): 5'-TGACATCTCCTGTGACAATTTCTCCCCAGGTAAACACCACTCTGCCAGCAAGGACGCTGC[T>A]GCTCGGCTGGGGCCCCTATGCCATCCTGTATCTATACGCAGTCATCGCAGACGTGACTTC-3'
Protein context (NP_001012738.1, residues 211-231): VNTTLPARTL[Leu221Gln]LGWGPYAILY